The following is an entry in ClinVar:

ClinVar aggregate classification (germline): Uncertain significance. Review status: criteria provided, multiple submitters, no conflicts (2 of 4 stars). 2 submissions from 2 submitters: Uncertain significance (2). Last evaluated 2025-05-05.

Conditions:
Febrile seizures, familial, 8 (FEB8). Also called: CONVULSIONS, FAMILIAL FEBRILE, 8. Identifiers: Orphanet 36387, MedGen C1969810, MONDO:0011891, OMIM 607681.
EPILEPSY, CHILDHOOD ABSENCE, SUSCEPTIBILITY TO, 2 (ECA2). Identifiers: Orphanet 64280, MedGen C1843244, OMIM 607681.

Allele frequency attached by ClinVar (database versions not stated): ExAC 0.00002; gnomAD exomes 0.00004; gnomAD 0.00006.

Submissions (2):

Labcorp Genetics (formerly Invitae), Labcorp
Classification: Uncertain significance for Febrile seizures, familial, 8; EPILEPSY, CHILDHOOD ABSENCE, SUSCEPTIBILITY TO, 2. Last evaluated: 2025-05-05. Review status: criteria provided, single submitter. Criteria: Invitae Variant Classification Sherloc (09022015). Collection method: clinical testing. Allele origin: germline.
Comment: This sequence change replaces arginine, which is basic and polar, with cysteine, which is neutral and slightly polar, at codon 215 of the GABRG2 protein (p.Arg215Cys). This variant is present in population databases (rs746626989, gnomAD 0.04%). This variant has not been reported in the literature in individuals affected with GABRG2-related conditions. ClinVar contains an entry for this variant (Variation ID: 1022508). Invitae Evidence Modeling of protein sequence and biophysical properties (such as structural, functional, and spatial information, amino acid conservation, physicochemical variation, residue mobility, and thermodynamic stability) has been performed for this missense variant. However, the output from this modeling did not meet the statistical confidence thresholds required to predict the impact of this variant on GABRG2 protein function. In summary, the available evidence is currently insufficient to determine the role of this variant in disease. Therefore, it has been classified as a Variant of Uncertain Significance.

GeneDx
Classification: Uncertain significance. Last evaluated: 2022-05-11. Review status: criteria provided, single submitter. Criteria: GeneDx Variant Classification Process June 2021. Collection method: clinical testing. Allele origin: germline. Affected: yes.
Comment: In silico analysis supports that this missense variant has a deleterious effect on protein structure/function; Has not been previously published as pathogenic or benign to our knowledge

NM_198904.4(GABRG2):c.643C>T (p.Arg215Cys)

Gene: GABRG2 (gamma-aminobutyric acid type A receptor subunit gamma2; plus strand). Cytogenetic location: 5q34.
Variant type: single nucleotide variant.
Coding change: c.643C>T on transcript NM_198904.4 (MANE Select); coding-DNA position 643, C replaced by T.
Protein change: p.Arg215Cys; replaces arginine 215 with cysteine.
Molecular consequence: missense variant.
Genome position (GRCh38, 1-based): chr5:162,103,900, C>T. VCF-style: chr5-162103900-C-T. GRCh37 (hg19) VCF-style: chr5-161530906-C-T.
Other names: c.643C>T, p.Arg215Cys (NM_000816.3, NM_001375340.1, NM_001375341.1 and 2 more transcripts); c.634C>T, p.Arg212Cys (NM_001375339.1); c.763C>T, p.Arg255Cys (NM_001375343.1, NM_198903.2); c.577C>T, p.Arg193Cys (NM_001375345.1, NM_001375346.1); c.556C>T, p.Arg186Cys (NM_001375347.1); c.223C>T, p.Arg75Cys (NM_001375348.1, NM_001375350.1); c.358C>T, p.Arg120Cys (NM_001375349.1); short protein forms R120C, R186C, R193C, R212C, R215C, R255C, R75C.
Identifiers: ClinVar variation 1022508 (VCV001022508.10), dbSNP rs746626989, ClinGen allele CA3544797.